The following is an entry in ClinVar:

NM_007118.4(TRIO):c.5113C>A (p.Pro1705Thr)

Gene: TRIO (trio Rho guanine nucleotide exchange factor; plus strand). Cytogenetic location: 5p15.2.
Variant type: single nucleotide variant.
Coding change: c.5113C>A on transcript NM_007118.4 (MANE Select); coding-DNA position 5113, C replaced by A.
Protein change: p.Pro1705Thr; replaces proline 1705 with threonine.
Molecular consequence: missense variant. On other transcripts: non-coding transcript variant (1).
Genome position (GRCh38, 1-based): chr5:14,419,931, C>A. VCF-style: chr5-14419931-C-A. GRCh37 (hg19) VCF-style: chr5-14420040-C-A.
Other names: short protein forms P1705T.
Identifiers: ClinVar variation 4082936 (VCV004082936.1).
Genomic context (GRCh38, chr5:14,419,931, plus strand): 5'-GTTCTGGAGCGGCCGCATGACAAGCCTGACTGGTGTCTGGTGCGGACAACTGACCGCTCC[C>A]CAGCGGCAGAAGGCCTGGTCCCCTGTGGTTCACTGTGCATCGCCCACTCCAGAAGTAGCA-3'
Protein context (NP_009049.2, residues 1695-1715): WCLVRTTDRS[Pro1705Thr]AAEGLVPCGS

ClinVar aggregate classification (germline): Uncertain significance (1 of 4 stars; one submission).

gnomAD v4.1: 1 of 1,614,208 alleles (0.000062%); highest among the groups gnomAD compares: Non-Finnish European, 0.000085%; no homozygotes.

Submission:

GeneDx
Classification: Uncertain significance. Last evaluated: 2025-03-06. Review status: criteria provided, single submitter. Criteria: GeneDx Variant Classification Process June 2021. Collection method: clinical testing. Allele origin: germline. Affected: yes.
Comment: Not observed at significant frequency in large population cohorts (gnomAD); In silico analysis supports that this missense variant has a deleterious effect on protein structure/function; Has not been previously published as pathogenic or benign to our knowledge